The following is an entry in ClinVar:

NM_170606.3(KMT2C):c.6008C>T (p.Thr2003Ile)

Gene: KMT2C (lysine methyltransferase 2C; minus strand). Cytogenetic location: 7q36.1.
Variant type: single nucleotide variant.
Coding change: c.6008C>T on transcript NM_170606.3 (MANE Select); coding-DNA position 6008, C replaced by T.
Protein change: p.Thr2003Ile; replaces threonine 2003 with isoleucine.
Molecular consequence: missense variant.
Genome position (GRCh38, 1-based): chr7:152,181,852, G>A on the plus strand (C>T on the coding strand, the complement: KMT2C is on the minus strand). VCF-style: chr7-152181852-G-A. GRCh37 (hg19) VCF-style: chr7-151878937-G-A.
Other names: c.6008C>T (NM_170606.2); short protein forms T2003I.
Identifiers: ClinVar variation 134761 (VCV000134761.7), dbSNP rs587778495, ClinGen allele CA160693.

ClinVar aggregate classification (germline): Conflicting classifications of pathogenicity. Review status: criteria provided, conflicting classifications (1 of 4 stars). 4 submissions from 4 submitters: Uncertain significance (2); Likely benign (1). 1 of the submissions does not count toward it. Last evaluated 2024-12-11.

Conditions:
Inborn genetic diseases. Identifiers: MedGen C0950123, MeSH D030342.

Allele frequency attached by ClinVar (database versions not stated): gnomAD exomes 0.00001; TOPMed 0.00002; ExAC 0.00001; gnomAD 0.00001.
gnomAD v4.1: 4 of 1,614,062 alleles (0.00025%); highest among the groups gnomAD compares: Admixed American, 0.0067%; no homozygotes.

Submissions (4):

Women's Health and Genetics/Laboratory Corporation of America, LabCorp
Classification: Uncertain significance. Last evaluated: 2024-12-11. Review status: criteria provided, single submitter. Criteria: LabCorp Variant Classification Summary - May 2015. Collection method: clinical testing. Allele origin: germline.
Comment: Variant summary: KMT2C c.6008C>T (p.Thr2003Ile) results in a non-conservative amino acid change in the encoded protein sequence. Four of five in-silico tools predict a benign effect of the variant on protein function. The variant allele was found at a frequency of 8e-06 in 251408 control chromosomes. The available data on variant occurrences in the general population are insufficient to allow any conclusion about variant significance. To our knowledge, no occurrence of c.6008C>T in individuals affected with Kleefstra Syndrome 2 and no experimental evidence demonstrating its impact on protein function have been reported. ClinVar contains an entry for this variant (Variation ID: 134761). Based on the evidence outlined above, the variant was classified as uncertain significance.

Labcorp Genetics (formerly Invitae), Labcorp
Classification: Likely benign. Last evaluated: 2024-11-11. Review status: criteria provided, single submitter. Criteria: Invitae Variant Classification Sherloc (09022015). Collection method: clinical testing. Allele origin: germline.

Ambry Genetics
Classification: Uncertain significance for Inborn genetic diseases. Last evaluated: 2024-09-03. Review status: criteria provided, single submitter. Criteria: Ambry Variant Classification Scheme 2023. Collection method: clinical testing. Allele origin: germline.

ITMI
No classification provided. Condition: AllHighlyPenetrant. Last evaluated: 2013-09-19. Review status: no classification provided. Collection method: reference population. Allele origin: germline. Not counted in ClinVar's aggregate classification.
Comment: Please see associated publication for description of ethnicities

Literature cited by the submitters: PubMed 24728327 (cited by ITMI).